The following is an entry in ClinVar:

NM_005591.4(MRE11):c.2012C>G (p.Ser671Cys)

Gene: MRE11 (MRE11 double strand break repair nuclease; minus strand). Cytogenetic location: 11q21.
Variant type: single nucleotide variant.
Coding change: c.2012C>G on transcript NM_005591.4 (MANE Select); coding-DNA position 2012, C replaced by G.
Protein change: p.Ser671Cys; replaces serine 671 with cysteine.
Molecular consequence: missense variant.
Genome position (GRCh38, 1-based): chr11:94,429,969, G>C on the plus strand (C>G on the coding strand, the complement: MRE11 is on the minus strand). VCF-style: chr11-94429969-G-C. GRCh37 (hg19) VCF-style: chr11-94163135-G-C.
Other names: c.2009C>G, p.Ser670Cys (NM_001330347.2); c.1928C>G, p.Ser643Cys (NM_005590.4); short protein forms S670C, S671C, S643C.
Identifiers: ClinVar variation 2984860 (VCV002984860.4), dbSNP rs1335212929, ClinGen allele CA382373553.

ClinVar aggregate classification (germline): Uncertain significance. Review status: criteria provided, multiple submitters, no conflicts (2 of 4 stars). 2 submissions from 2 submitters: Uncertain significance (2). Last evaluated 2024-12-16.

Conditions:
Hereditary cancer-predisposing syndrome. Also called: Tumor predisposition; Hereditary neoplastic syndrome; Hereditary Cancer Syndrome; Neoplastic Syndromes, Hereditary. Identifiers: Orphanet 140162, MedGen C0027672, MeSH D009386, MONDO:0015356.
Ataxia-telangiectasia-like disorder (ATLD). Identifiers: MedGen C1858391, MONDO:0011457.

Submissions (2):

Ambry Genetics
Classification: Uncertain significance for Hereditary cancer-predisposing syndrome. Last evaluated: 2024-12-16. Review status: criteria provided, single submitter. Criteria: Ambry Variant Classification Scheme 2023. Collection method: clinical testing. Allele origin: germline.
Comment: The p.S671C variant (also known as c.2012C>G), located in coding exon 18 of the MRE11A gene, results from a C to G substitution at nucleotide position 2012. The serine at codon 671 is replaced by cysteine, an amino acid with dissimilar properties. This amino acid position is conserved. In addition, this alteration is predicted to be tolerated by in silico analysis. Based on the available evidence, the clinical significance of this variant remains unclear.

Labcorp Genetics (formerly Invitae), Labcorp
Classification: Uncertain significance for Ataxia-telangiectasia-like disorder. Last evaluated: 2023-01-10. Review status: criteria provided, single submitter. Criteria: Invitae Variant Classification Sherloc (09022015). Collection method: clinical testing. Allele origin: germline.
Comment: Algorithms developed to predict the effect of missense changes on protein structure and function are either unavailable or do not agree on the potential impact of this missense change (SIFT: "Tolerated"; PolyPhen-2: "Possibly Damaging"; Align-GVGD: "Class C0"). This sequence change replaces serine, which is neutral and polar, with cysteine, which is neutral and slightly polar, at codon 671 of the MRE11 protein (p.Ser671Cys). This variant is not present in population databases (gnomAD no frequency). This variant has not been reported in the literature in individuals affected with MRE11-related conditions. In summary, the available evidence is currently insufficient to determine the role of this variant in disease. Therefore, it has been classified as a Variant of Uncertain Significance.